The following is an entry in ClinVar:

ClinVar aggregate classification (germline): Likely benign. Review status: criteria provided, multiple submitters, no conflicts (2 of 4 stars). 3 submissions from 3 submitters: Likely benign (3). Last evaluated 2026-01-07.

Conditions:
Inborn genetic diseases. Identifiers: MedGen C0950123, MeSH D030342.
Charcot-Marie-Tooth disease type 4. Also called: Charcot-Marie-Tooth disease, type IV; Charcot-Marie-Tooth, Type 4. Identifiers: Orphanet 64749, MedGen C4082197, MONDO:0018995.

Allele frequency attached by ClinVar (database versions not stated): gnomAD exomes 0.00001; gnomAD 0.00002; TOPMed 0.00003.
gnomAD v4.1: 23 of 1,614,056 alleles (0.0014%); highest among the groups gnomAD compares: South Asian, 0.0044%; no homozygotes.

Submissions (3):

Labcorp Genetics (formerly Invitae), Labcorp
Classification: Likely benign for Charcot-Marie-Tooth disease type 4. Last evaluated: 2026-01-07. Review status: criteria provided, single submitter. Criteria: Invitae Variant Classification Sherloc (09022015). Collection method: clinical testing. Allele origin: germline.

Ambry Genetics
Classification: Likely benign for Inborn genetic diseases. Last evaluated: 2019-07-11. Review status: criteria provided, single submitter. Criteria: Ambry Variant Classification Scheme 2023. Collection method: clinical testing. Allele origin: germline.

GeneDx
Classification: Likely benign. Last evaluated: 2016-10-03. Review status: criteria provided, single submitter. Criteria: GeneDx Variant Classification (06012015). Collection method: clinical testing. Allele origin: germline. Affected: yes.
Comment: This variant is considered likely benign or benign based on one or more of the following criteria: it is a conservative change, it occurs at a poorly conserved position in the protein, it is predicted to be benign by multiple in silico algorithms, and/or has population frequency not consistent with disease.

NM_024577.4(SH3TC2):c.936G>A (p.Ser312=)

Gene: SH3TC2 (SH3 domain and tetratricopeptide repeats 2; minus strand). Cytogenetic location: 5q32.
Variant type: single nucleotide variant.
Coding change: c.936G>A on transcript NM_024577.4 (MANE Select); coding-DNA position 936, G replaced by A.
Protein change: p.Ser312=; no amino-acid change (serine 312 retained).
Molecular consequence: synonymous variant.
Genome position (GRCh38, 1-based): chr5:149,038,360, C>T on the plus strand (G>A on the coding strand, the complement: SH3TC2 is on the minus strand). VCF-style: chr5-149038360-C-T. GRCh37 (hg19) VCF-style: chr5-148417923-C-T.
Identifiers: ClinVar variation 389775 (VCV000389775.12), dbSNP rs918659172, ClinGen allele CA16604723.
Genomic context (GRCh38, chr5:149,038,360, plus strand): 5'-GGAATAAGAATCAGGATCTATGTTCCTGGTGGGGACAAAGCCCACTTGTCCTGAACTTGT[C>T]GACTTTCCAATGAACCACTGAAGCCCAGGTATGACAAAGCCGATGATCTCAATGCTTTCT-3'
Protein context (NP_078853.2, residues 302-322): IPGLQWFIGK[Ser312=]TSSGQVGFVP